The following is an entry in ClinVar:

NM_080632.3(UPF3B):c.1162A>G (p.Arg388Gly)

Gene: UPF3B (UPF3B regulator of nonsense mediated mRNA decay; minus strand). Cytogenetic location: Xq24.
Variant type: single nucleotide variant.
Coding change: c.1162A>G on transcript NM_080632.3 (MANE Select); coding-DNA position 1162, A replaced by G.
Protein change: p.Arg388Gly; replaces arginine 388 with glycine.
Molecular consequence: missense variant.
Genome position (GRCh38, 1-based): chrX:119,837,897, T>C on the plus strand (A>G on the coding strand, the complement: UPF3B is on the minus strand). VCF-style: chrX-119837897-T-C. GRCh37 (hg19) VCF-style: chrX-118971860-T-C.
Other names: c.1123A>G, p.Arg375Gly (NM_023010.4); short protein forms R375G, R388G.
Identifiers: ClinVar variation 3772254 (VCV003772254.13).
Genomic context (GRCh38, chrX:119,837,897, plus strand): 5'-CAGCCTTCTTTCCTTTATCCCGAAGTGTGTCTTTCTCTTTTTTCATTTCTTCTTCTTTTC[T>C]CTTAAAAGTCTTCTCTTTCTCATAGCGCTCCTTCTGCCTACGGCGCTCTTCTTCTTGCCG-3'
Protein context (NP_542199.1, residues 378-398): ERYEKEKTFK[Arg388Gly]KEEEMKKEKD

ClinVar aggregate classification (germline): Uncertain significance (1 of 4 stars; one submission).

Submission:

CeGaT Center for Human Genetics Tuebingen
Classification: Uncertain significance. Last evaluated: 2025-01-01. Review status: criteria provided, single submitter. Criteria: CeGaT Center For Human Genetics Tuebingen Variant Classification Criteria Version 2. Collection method: clinical testing. Allele origin: germline. Affected: yes. Observed: 1 variant allele.
Comment: UPF3B: PM2